The following is an entry in ClinVar:

ClinVar aggregate classification (germline): Uncertain significance. Review status: criteria provided, multiple submitters, no conflicts (2 of 4 stars). 3 submissions from 3 submitters: Uncertain significance (3). Last evaluated 2026-01-20.

Conditions:
POLD1-related disorder. Also called: POLD1-related disorders; POLD1-related condition.
Hereditary cancer-predisposing syndrome. Also called: Hereditary neoplastic syndrome; Tumor predisposition; Hereditary Cancer Syndrome; Neoplastic Syndromes, Hereditary. Identifiers: Orphanet 140162, MedGen C0027672, MeSH D009386, MONDO:0015356.
POLD1-related polyposis and colorectal cancer syndrome (CRCS10). Also called: Colorectal cancer, susceptibility to, 10; Colorectal cancer 10; COLORECTAL CANCER, SUSCEPTIBILITY TO, ON CHROMOSOME 19q. Identifiers: Orphanet 220460, MedGen C2675481, MONDO:0012953, OMIM 612591.

Submissions (3):

Ambry Genetics
Classification: Uncertain significance for Hereditary cancer-predisposing syndrome. Last evaluated: 2026-01-20. Review status: criteria provided, single submitter. Criteria: Ambry Variant Classification Scheme 2023. Collection method: clinical testing. Allele origin: germline.
Comment: The p.R1086P variant (also known as c.3257G>C), located in coding exon 26 of the POLD1 gene, results from a G to C substitution at nucleotide position 3257. The arginine at codon 1086 is replaced by proline, an amino acid with dissimilar properties. This amino acid position is not well conserved in available vertebrate species. In addition, this alteration is predicted to be tolerated by in silico analysis. Based on the available evidence, the clinical significance of this variant remains unclear.

PreventionGenetics, part of Exact Sciences
Classification: Uncertain significance for POLD1-related condition. Last evaluated: 2023-01-16. Review status: criteria provided, single submitter. Criteria: ACMG Guidelines, 2015. Collection method: clinical testing. Allele origin: germline.
Comment: The POLD1 c.3257G>C variant is predicted to result in the amino acid substitution p.Arg1086Pro. To our knowledge, this variant has not been reported in the literature or in a large population database, indicating it is rare. This variant is classified as having uncertain clinical significance in ClinVar. At this time, the clinical significance of this variant is uncertain due to the absence of conclusive functional and genetic evidence.

Labcorp Genetics (formerly Invitae), Labcorp
Classification: Uncertain significance for POLD1-related polyposis and colorectal cancer syndrome. Last evaluated: 2022-01-27. Review status: criteria provided, single submitter. Criteria: Invitae Variant Classification Sherloc (09022015). Collection method: clinical testing. Allele origin: germline.
Comment: In summary, the available evidence is currently insufficient to determine the role of this variant in disease. Therefore, it has been classified as a Variant of Uncertain Significance. Algorithms developed to predict the effect of missense changes on protein structure and function are either unavailable or do not agree on the potential impact of this missense change (SIFT: "Deleterious"; PolyPhen-2: "Possibly Damaging"; Align-GVGD: "Class C0"). ClinVar contains an entry for this variant (Variation ID: 646632). This variant has not been reported in the literature in individuals affected with POLD1-related conditions. This variant is not present in population databases (gnomAD no frequency). This sequence change replaces arginine, which is basic and polar, with proline, which is neutral and non-polar, at codon 1086 of the POLD1 protein (p.Arg1086Pro).

NM_002691.4(POLD1):c.3257G>C (p.Arg1086Pro)

Gene: POLD1 (DNA polymerase delta 1, catalytic subunit; plus strand). Cytogenetic location: 19q13.33.
Variant type: single nucleotide variant.
Coding change: c.3257G>C on transcript NM_002691.4 (MANE Select); coding-DNA position 3257, G replaced by C.
Protein change: p.Arg1086Pro; replaces arginine 1086 with proline.
Molecular consequence: missense variant. On other transcripts: non-coding transcript variant (1).
Genome position (GRCh38, 1-based): chr19:50,417,880, G>C. VCF-style: chr19-50417880-G-C. GRCh37 (hg19) VCF-style: chr19-50921137-G-C.
Other names: c.3257G>C, p.Arg1086Pro (NM_001256849.1); c.3335G>C, p.Arg1112Pro (NM_001308632.1); c.3257G>C (NM_002691.2); short protein forms R1086P, R1112P.
Identifiers: ClinVar variation 646632 (VCV000646632.8), dbSNP rs3219457, ClinGen allele CA406987779.
Genomic context (GRCh38, chr19:50,417,880, plus strand): 5'-CTGCCCCTGCCCCCACCCGCAGCCGGGACTGCCCCATCTTCTACATGCGCAAGAAGGTGC[G>C]GAAGGACCTGGAAGACCAGGAGCAGCTCCTGCGGCGCTTCGGACCCCCTGGACCTGAGGC-3'
Protein context (NP_002682.2, residues 1076-1096): CPIFYMRKKV[Arg1086Pro]KDLEDQEQLL